The following is an entry in ClinVar:

ClinVar aggregate classification (germline): Benign/Likely benign. Review status: criteria provided, multiple submitters, no conflicts (2 of 4 stars). 8 submissions from 8 submitters: Benign (6); Likely benign (1). 1 of the submissions does not count toward it. Last evaluated 2025-04-25.

Conditions:
Polycystic kidney disease, adult type (PKD1). Also called: Polycystic Kidney Disease 1, Autosomal Dominant; Polycystic kidney disease 1; Polycystic kidney disease 1, severe; POLYCYSTIC KIDNEY DISEASE 1 WITH OR WITHOUT POLYCYSTIC LIVER DISEASE; Polycystic Kidney, Autosomal Dominant; POLYCYSTIC KIDNEY DISEASE, ADULT, TYPE I. Identifiers: MedGen C3149841, MONDO:0008263, OMIM 173900.
Polycystic kidney disease. Also called: Polycystic kidney dysplasia; Kidney, Polycystic. Identifiers: MedGen C0022680, MeSH D007690, MONDO:0020642, HP:0000113.

Allele frequency attached by ClinVar (database versions not stated): ExAC 0.00202; gnomAD exomes 0.00535 and 0.03803; gnomAD 0.01159 and 0.01175; 1000 Genomes Project 30x 0.02155; TOPMed 0.02166; 1000 Genomes Project 0.02196.
gnomAD v4.1: 9,122 of 1,525,452 alleles (0.6%); highest among the groups gnomAD compares: Admixed American, 16%; 860 homozygotes.

Submissions (8):

Women's Health and Genetics/Laboratory Corporation of America, LabCorp
Classification: Benign. Last evaluated: 2025-04-25. Review status: criteria provided, single submitter. Criteria: LabCorp Variant Classification Summary - May 2015. Collection method: clinical testing. Allele origin: germline.

Blueprint Genetics
Classification: Likely benign. Last evaluated: 2024-11-26. Review status: criteria provided, single submitter. Criteria: ACMG Guidelines, 2015. Collection method: clinical testing. Allele origin: germline.

Mayo Clinic Laboratories, Mayo Clinic
Classification: Benign. Last evaluated: 2022-04-26. Review status: criteria provided, single submitter. Criteria: ACMG Guidelines, 2015. Collection method: clinical testing. Allele origin: germline. Observed: 44 variant alleles.

ARUP Laboratories, Molecular Genetics and Genomics, ARUP Laboratories
Classification: Benign for Polycystic kidney disease, adult type. Last evaluated: 2020-02-27. Review status: criteria provided, single submitter. Criteria: ARUP Molecular Germline Variant Investigation Process. Collection method: clinical testing. Allele origin: germline.

GeneDx
Classification: Benign. Last evaluated: 2020-01-30. Review status: criteria provided, single submitter. Criteria: GeneDx Variant Classification Process June 2021. Collection method: clinical testing. Allele origin: germline. Affected: yes.

Breakthrough Genomics
Classification: Benign. Review status: criteria provided, single submitter. Criteria: ACMG Guidelines, 2015. Collection method: not provided. Allele origin: germline. Inheritance: Autosomal dominant inheritance. Affected: yes.

PreventionGenetics, part of Exact Sciences
Classification: Benign. Review status: criteria provided, single submitter. Criteria: ACMG Guidelines, 2015. Collection method: clinical testing. Allele origin: germline.

Department of Pathology and Laboratory Medicine, Sinai Health System
Classification: Benign for Polycystic Kidney disease. Review status: no assertion criteria provided. Collection method: clinical testing. Allele origin: unknown. Affected: yes. Observed: 2 variant alleles. Study: The Canadian Open Genetics Repository (COGR). Not counted in ClinVar's aggregate classification.
Comment: The PKD1 p.Pro513= variant was identified in 1 of 460 proband chromosomes (frequency: 0.002) from individuals or families with ADPKD (Rossetti 2012). The variant was also identified in dbSNP (ID: rs550769703) as â€šÃ„ÃºWith Benign alleleâ€šÃ„Ã¹, ClinVar (classified as benign by Prevention Genetics), ADPKD Mutation Database (likely neutral). This variant was identified in the 1000 Genomes Project in 110 of 5000 chromosomes (frequency: 0.022), the Genome Aggregation Database (beta, October 19th 2016) in 5209 (593 homozygous) of 130176 chromosomes (freq. 0.04), the Exome Aggregation Consortium database (August 8th 2016) in 23 (1 homozygous) of 11406 chromosomes (freq. 0.002) in the following populations: Latino in 17 of 158 chromosomes (freq. 0.1), European in 5 of 3112 chromosomes (freq. 0.002), South Asian in 1 of 7474 chromosomes (freq. 0.0001), but was not seen in African, Finnish, East Asian and Other populations, increasing the likelihood that this may be a low frequency benign variant in certain populations of origin. The variant was not found in Clinvitae, GeneInsight COGR, MutDB, PKD1-LOVD or PKD1-LOVD 3.0 databases. The p.Pro513Pro variant is not expected to have clinical significance because it does not result in a change of amino acid and is not located in a known consensus splice site. In addition, in silico or computational prediction software programs (SpliceSiteFinder, MaxEntScan, NNSPLICE, GeneSplicer, HumanSpliceFinder) do not predict a difference in splicing. In summary, based on the above information, this variant meets our laboratory criteria to be classified as benign.

NM_001009944.3(PKD1):c.1539C>T (p.Pro513=)

Gene: PKD1 (polycystin 1, transient receptor potential channel interacting; minus strand). Cytogenetic location: 16p13.3.
Variant type: single nucleotide variant.
Coding change: c.1539C>T on transcript NM_001009944.3 (MANE Select); coding-DNA position 1539, C replaced by T.
Protein change: p.Pro513=; no amino-acid change (proline 513 retained).
Molecular consequence: synonymous variant.
Genome position (GRCh38, 1-based): chr16:2,116,900, G>A on the plus strand (C>T on the coding strand, the complement: PKD1 is on the minus strand). VCF-style: chr16-2116900-G-A. GRCh37 (hg19) VCF-style: chr16-2166901-G-A.
Other names: p.Pro513=; c.1539C>T, p.Pro513= (NM_000296.4).
Identifiers: ClinVar variation 256925 (VCV000256925.20), dbSNP rs550769703, ClinGen allele CA7833495.